The following is an entry in ClinVar:

NM_000526.5(KRT14):c.1163G>A (p.Arg388His)

Gene: KRT14 (keratin 14; minus strand). Cytogenetic location: 17q21.2.
Variant type: single nucleotide variant.
Coding change: c.1163G>A on transcript NM_000526.5 (MANE Select); coding-DNA position 1163, G replaced by A.
Protein change: p.Arg388His; replaces arginine 388 with histidine.
Molecular consequence: missense variant.
Genome position (GRCh38, 1-based): chr17:41,583,346, C>T on the plus strand (G>A on the coding strand, the complement: KRT14 is on the minus strand). VCF-style: chr17-41583346-C-T. GRCh37 (hg19) VCF-style: chr17-39739598-C-T.
Other names: short protein forms R388H.
Identifiers: ClinVar variation 419836 (VCV000419836.15), dbSNP rs58645163, ClinGen allele CA8562484.

ClinVar aggregate classification (germline): Pathogenic/Likely pathogenic. Review status: criteria provided, multiple submitters, no conflicts (2 of 4 stars). 7 submissions from 7 submitters: Pathogenic (2); Likely pathogenic (5). Last evaluated 2025-10-21.

Conditions:
Naegeli-Franceschetti-Jadassohn syndrome (NFJS). Also called: NFJ SYNDROME. Identifiers: Orphanet 69087, MedGen C0343111, MONDO:0008059, OMIM 161000.
Epidermolysis bullosa simplex 1C, localized. Also called: Weber-Cockayne Syndrome; Epidermolysis Bullosa Simplex, Weber-Cockayne Type; EBS, ACRAL FORM; EPIDERMOLYSIS BULLOSA OF HANDS AND FEET; Localized epidermolysis bullosa simplex. Identifiers: Orphanet 79400, MedGen C0080333, MONDO:0007551, OMIM 131800.
Epidermolysis bullosa simplex 1A, generalized severe (EBS1A). Also called: Epidermolysis bullosa simplex Dowling-Meara type. Identifiers: Orphanet 79396, MedGen C0079295, MONDO:0007550, OMIM 131760.
Dermatopathia pigmentosa reticularis (DPR). Identifiers: Orphanet 86920, MedGen C0406778, MONDO:0007445, OMIM 125595.
Epidermolysis bullosa simplex 1D, generalized, intermediate or severe, autosomal recessive. Identifiers: Orphanet 89838, MedGen C3715082, MONDO:0010976, OMIM 601001.
Epidermolysis bullosa simplex, Koebner type. Identifiers: Orphanet 79399, MedGen C5561924, MONDO:0007554, OMIM 131900.
KRT14-related disorder. Also called: KRT14-related condition.

Allele frequency attached by ClinVar (database versions not stated): 1000 Genomes Project below 0.00001; gnomAD 0.00009 and 0.00010; TOPMed 0.00009; ExAC 0.00012; ESP Exome Variant Server 0.00015; gnomAD exomes 0.00015.

Submissions (7):

GeneDx
Classification: Likely pathogenic. Last evaluated: 2025-10-21. Review status: criteria provided, single submitter. Criteria: GeneDx Variant Classification Process June 2021. Collection method: clinical testing. Allele origin: germline. Affected: yes.
Comment: Observed in the heterozygous state in additional unrelated patients with mild EBS from the published literature, but other causes of EB were not sufficiently excluded (PMID: 16439963, 20060687); Observed in two siblings with EBS who had another KRT14 variant on the opposite allele (in trans) in the published literature; their unaffected father was heterozygous only for the R388H variant, suggesting that this variant may be exhibiting an autosomal recessive inheritance pattern (PMID: 12707098); Observed in multiple patients from the published literature who had a different genetic etiology for their blistering phenotype (PMID: 29334134, 22832485); In silico analysis supports that this missense variant has a deleterious effect on protein structure/function; This variant is associated with the following publications: (PMID: 22832485, 18713255, 31589614, 25017986, 34540811, 20060687, 29334134, 16439963, 12707098, 39976600)

Dasa
Classification: Likely pathogenic. Last evaluated: 2025-10-09. Review status: criteria provided, single submitter. Criteria: DASA Assertion Criteria. Collection method: clinical testing. Allele origin: germline.
Comment: NM_000526.5(KRT14):c.1163G>A (p.Arg388His) is a missense variant that results in the substitution of arginine with histidine. The affected residue or protein region has prior evidence supporting clinical relevance. This variant has been recurrently observed in individuals with KRT14-related disorders (PMID: 12707098; PMID: 22832485). Also, this variant is rare in population databases. Computational evidence supports a deleterious effect. Based on the currently available evidence, this variant is classified as likely pathogenic.

Bioinformatics and Research, Sequencing.com
Classification: Pathogenic for Epidermolysis bullosa simplex 1D, generalized, intermediate or severe, autosomal recessive. Last evaluated: 2025-04-01. Review status: criteria provided, single submitter. Criteria: ACMG Guidelines, 2015. Collection method: curation. Allele origin: biparental. Inheritance: Autosomal recessive inheritance. Affected: yes. Observed: 1 variant allele, 1 homozygote.
Comment: The KRT14 c.1163G>A (p.Arg388His) variant has been previously reported in individuals with epidermolysis bullosa simplex (EBS), including cases supporting autosomal recessive inheritance (PMID: 12707098, 16439963, 20060687, 22832485). This additional genotype–phenotype and segregation evidence supports the Pathogenic classification of this variant in the context of recessive EBS.

Labcorp Genetics (formerly Invitae), Labcorp
Classification: Likely pathogenic. Last evaluated: 2025-02-16. Review status: criteria provided, single submitter. Criteria: Invitae Variant Classification Sherloc (09022015). Collection method: clinical testing. Allele origin: germline.
Comment: This sequence change replaces arginine, which is basic and polar, with histidine, which is basic and polar, at codon 388 of the KRT14 protein (p.Arg388His). This variant is present in population databases (rs58645163, gnomAD 0.3%). This missense change has been observed in individual(s) with autosomal recessive epidermolysis bullosa simplex (PMID: 12707098, 22832485). In at least one individual the data is consistent with being in trans (on the opposite chromosome) from a pathogenic variant. It has also been observed to segregate with disease in related individuals. ClinVar contains an entry for this variant (Variation ID: 419836). Invitae Evidence Modeling of protein sequence and biophysical properties (such as structural, functional, and spatial information, amino acid conservation, physicochemical variation, residue mobility, and thermodynamic stability) indicates that this missense variant is not expected to disrupt KRT14 protein function with a negative predictive value of 80%. In summary, the currently available evidence indicates that the variant is pathogenic, but additional data are needed to prove that conclusively. Therefore, this variant has been classified as Likely Pathogenic.

PreventionGenetics, part of Exact Sciences
Classification: Pathogenic for KRT14-related condition. Last evaluated: 2025-01-29. Review status: criteria provided, single submitter. Criteria: ACMG Guidelines, 2015. Collection method: clinical testing. Allele origin: germline.
Comment: The KRT14 c.1163G>A variant is predicted to result in the amino acid substitution p.Arg388His. This variant has been reported in the compound heterozygous state in an individual with epidermolysis bullosa (EBS) and has been shown to segregate with the disease in an affected sibling. (Ciubotaru et al. 2003. PubMed ID: 12707098). It has also been reported in the heterozygous state, along with a variant in a different keratin gene, in an individual with EBS (Padalon-Brauch et al. 2012. PubMed ID: 22832485). Alternate nucleotide changes affecting the same amino acid (p.Arg388Cys, p.Arg388Gly, and p.Arg388Pro) have been reported in individuals with EBS (see, for example: Chen et al. 1995. PubMed ID: 7561171; Kang et al. 2010. PubMed ID: 20060687; Rugg et al. 2006. PubMed ID: 17039244; Wertheim-Tysarowska et al. 2016. PubMed ID: 26432462; Arin et al. 2010. PubMed ID: 20199538; Banerjee et al. 2014. PubMed ID: 25017986). This variant is reported in 0.25% of alleles in individuals of Ashkenazi Jewish descent in gnomAD. This variant is interpreted as likely pathogenic.

Revvity Omics, Revvity
Classification: Likely pathogenic. Last evaluated: 2024-05-24. Review status: criteria provided, single submitter. Criteria: ACMG Guidelines, 2015. Collection method: clinical testing. Allele origin: germline.

Department of Pathology and Laboratory Medicine, Sinai Health System
Classification: Likely pathogenic for Epidermolysis bullosa simplex 1C, localized; Epidermolysis bullosa simplex 1D, generalized, intermediate or severe, autosomal recessive; Naegeli-Franceschetti-Jadassohn syndrome; Epidermolysis bullosa simplex 1A, generalized severe; Dermatopathia pigmentosa reticularis; Epidermolysis bullosa simplex, Koebner type. Last evaluated: 2022-04-26. Review status: criteria provided, single submitter. Criteria: ACMG Guidelines, 2015. Collection method: research. Allele origin: germline.

Literature cited by the submitters: PubMed 12707098 (cited by 3 submitters); PubMed 22832485 (cited by 3 submitters); PubMed 16439963 (cited by Bioinformatics and Research, Sequencing.com); PubMed 20060687 (cited by Bioinformatics and Research, Sequencing.com).